The following is an entry in ClinVar:

ClinVar aggregate classification (germline): Likely pathogenic (1 of 4 stars; one submission).

Submission:

Mayo Clinic Laboratories, Mayo Clinic
Classification: Likely pathogenic. Last evaluated: 2024-08-21. Review status: criteria provided, single submitter. Criteria: ACMG Guidelines, 2015. Collection method: clinical testing. Allele origin: germline. Observed: 1 variant allele.
Comment: PM1_supporting, PM2, PS3

Literature cited by the submitters: PubMed 14691565; PubMed 18976247; PubMed 38202056.

NM_019616.4(F7):c.725T>C (p.Leu242Pro)

Gene: F7 (coagulation factor VII; plus strand). Cytogenetic location: 13q34.
Variant type: single nucleotide variant.
Coding change: c.725T>C on transcript NM_019616.4 (MANE Select); coding-DNA position 725, T replaced by C.
Protein change: p.Leu242Pro; replaces leucine 242 with proline.
Molecular consequence: missense variant. On other transcripts: non-coding transcript variant (1).
Genome position (GRCh38, 1-based): chr13:113,117,582, T>C. VCF-style: chr13-113117582-T-C. GRCh37 (hg19) VCF-style: chr13-113771896-T-C.
Other names: p.Leu264Pro; c.791T>C, p.Leu264Pro (NM_000131.5); c.539T>C, p.Leu180Pro (NM_001267554.2); short protein forms L180P, L242P, L264P.
Identifiers: ClinVar variation 3381106 (VCV003381106.1).
Genomic context (GRCh38, chr13:113,117,582, plus strand): 5'-ACACCATCTGGGTGGTCTCCGCGGCCCACTGTTTCGACAAAATCAAGAACTGGAGGAACC[T>C]GATCGCGGTGCTGGGTGGGTACCACTCTCCCCTGTCCGACCGCGGTGCTGGGTGGGTGCC-3'
Protein context (NP_062562.1, residues 232-252): CFDKIKNWRN[Leu242Pro]IAVLGEHDLS